The following is an entry in ClinVar:

ClinVar aggregate classification (germline): Uncertain significance (1 of 4 stars; one submission).

Conditions:
Hereditary cancer-predisposing syndrome. Also called: Tumor predisposition; Hereditary Cancer Syndrome; Hereditary neoplastic syndrome; Neoplastic Syndromes, Hereditary. Identifiers: Orphanet 140162, MedGen C0027672, MeSH D009386, MONDO:0015356.

Submission:

Ambry Genetics
Classification: Uncertain significance for Hereditary cancer-predisposing syndrome. Last evaluated: 2024-05-24. Review status: criteria provided, single submitter. Criteria: Ambry Variant Classification Scheme 2023. Collection method: clinical testing. Allele origin: germline.
Comment: The p.A969T variant (also known as c.2905G>A), located in coding exon 17 of the ALK gene, results from a G to A substitution at nucleotide position 2905. The alanine at codon 969 is replaced by threonine, an amino acid with similar properties. This amino acid position is conserved. In addition, the in silico prediction for this alteration is inconclusive. Based on the available evidence, the clinical significance of this variant remains unclear.

NM_004304.5(ALK):c.2905G>A (p.Ala969Thr)

Gene: ALK (ALK receptor tyrosine kinase; minus strand). Cytogenetic location: 2p23.2.
Variant type: single nucleotide variant.
Coding change: c.2905G>A on transcript NM_004304.5 (MANE Select); coding-DNA position 2905, G replaced by A.
Protein change: p.Ala969Thr; replaces alanine 969 with threonine.
Molecular consequence: missense variant.
Genome position (GRCh38, 1-based): chr2:29,227,583, C>T on the plus strand (G>A on the coding strand, the complement: ALK is on the minus strand). VCF-style: chr2-29227583-C-T. GRCh37 (hg19) VCF-style: chr2-29450449-C-T.
Other names: short protein forms A969T.
Identifiers: ClinVar variation 3286293 (VCV003286293.1).